The following is an entry in ClinVar:

ClinVar aggregate classification (germline): Uncertain significance (0 of 4 stars; one submission).

Conditions:
Prostate cancer. Also called: Malignant tumor of prostate. Identifiers: Orphanet 1331, MedGen C0376358, MONDO:0008315, HP:0012125.

Allele frequency attached by ClinVar (database versions not stated): gnomAD exomes below 0.00001.
gnomAD v4.1: 2 of 1,611,792 alleles (0.00012%); highest among the groups gnomAD compares: Non-Finnish European, 0.00017%; no homozygotes.

Submission:

Science for Life laboratory,  Karolinska Institutet
Classification: Uncertain significance for Malignant tumor of prostate. Review status: no assertion criteria provided. Collection method: not provided. Allele origin: somatic.
Comment: TumorID:SWE-18
ClinVar note: Converted during submission from Unknown to Uncertain significance.

NM_033257.4(DGCR6L):c.608C>T (p.Pro203Leu)

Gene: DGCR6L (DiGeorge syndrome critical region gene 6 like; minus strand). Cytogenetic location: 22q11.21.
Variant type: single nucleotide variant.
Coding change: c.608C>T on transcript NM_033257.4 (MANE Select); coding-DNA position 608, C replaced by T.
Protein change: p.Pro203Leu; replaces proline 203 with leucine.
Molecular consequence: missense variant.
Genome position (GRCh38, 1-based): chr22:20,314,730, G>A on the plus strand (C>T on the coding strand, the complement: DGCR6L is on the minus strand). VCF-style: chr22-20314730-G-A. GRCh37 (hg19) VCF-style: chr22-20302253-G-A.
Other names: short protein forms P203L.
Identifiers: ClinVar variation 161788 (VCV000161788.2), dbSNP rs193920891, ClinGen allele CA174784.